The following is an entry in ClinVar:

NM_004655.4(AXIN2):c.1514T>G (p.Phe505Cys)

Gene: AXIN2 (axin 2; minus strand). Cytogenetic location: 17q24.1.
Variant type: single nucleotide variant.
Coding change: c.1514T>G on transcript NM_004655.4 (MANE Select); coding-DNA position 1514, T replaced by G.
Protein change: p.Phe505Cys; replaces phenylalanine 505 with cysteine.
Molecular consequence: missense variant.
Genome position (GRCh38, 1-based): chr17:65,537,522, A>C on the plus strand (T>G on the coding strand, the complement: AXIN2 is on the minus strand). VCF-style: chr17-65537522-A-C. GRCh37 (hg19) VCF-style: chr17-63533640-A-C.
Other names: c.1514T>G, p.Phe505Cys (NM_001363813.1); short protein forms F505C.
Identifiers: ClinVar variation 1774286 (VCV001774286.2), dbSNP rs2509413737, ClinGen allele CA400677361.

ClinVar aggregate classification (germline): Uncertain significance (1 of 4 stars; one submission).

Conditions:
Hereditary cancer-predisposing syndrome. Also called: Hereditary Cancer Syndrome; Hereditary neoplastic syndrome; Neoplastic Syndromes, Hereditary; Tumor predisposition. Identifiers: Orphanet 140162, MedGen C0027672, MeSH D009386, MONDO:0015356.

Submission:

Ambry Genetics
Classification: Uncertain significance for Hereditary cancer-predisposing syndrome. Last evaluated: 2021-12-11. Review status: criteria provided, single submitter. Criteria: Ambry Variant Classification Scheme 2023. Collection method: clinical testing. Allele origin: germline.
Comment: The p.F505C variant (also known as c.1514T>G), located in coding exon 5 of the AXIN2 gene, results from a T to G substitution at nucleotide position 1514. The phenylalanine at codon 505 is replaced by cysteine, an amino acid with highly dissimilar properties. This amino acid position is conserved. In addition, this alteration is predicted to be tolerated by in silico analysis. Since supporting evidence is limited at this time, the clinical significance of this alteration remains unclear.